The following is an entry in ClinVar:

NM_002303.6(LEPR):c.2260G>A (p.Val754Met)

Gene: LEPR (leptin receptor; plus strand). Cytogenetic location: 1p31.3.
Variant type: single nucleotide variant.
Coding change: c.2260G>A on transcript NM_002303.6 (MANE Select); coding-DNA position 2260, G replaced by A.
Protein change: p.Val754Met; replaces valine 754 with methionine.
Molecular consequence: missense variant.
Genome position (GRCh38, 1-based): chr1:65,618,011, G>A. VCF-style: chr1-65618011-G-A. GRCh37 (hg19) VCF-style: chr1-66083694-G-A.
Other names: c.2260G>A, p.Val754Met (NM_001003679.3, NM_001003680.3, NM_001198687.2 and 2 more transcripts); short protein forms V754M.
Identifiers: ClinVar variation 875883 (VCV000875883.17), dbSNP rs150936702, ClinGen allele CA894980.
Genomic context (GRCh38, chr1:65,618,011, plus strand): 5'-CTTTTCCCCTCAGTAAATATCGTGCAGTCACTCAGTGCTTATCCTTTAAACAGCAGTTGT[G>A]TGATTGTTTCCTGGATACTATCACCCAGTGATTACAAGCTAATGTATTTTATTATTGAGT-3'
Protein context (NP_002294.2, residues 744-764): LSAYPLNSSC[Val754Met]IVSWILSPSD

ClinVar aggregate classification (germline): Conflicting classifications of pathogenicity. Review status: criteria provided, conflicting classifications (1 of 4 stars). 6 submissions from 6 submitters: Uncertain significance (5); Likely benign (1). Last evaluated 2026-07-21.

Conditions:
Obesity due to leptin receptor gene deficiency. Identifiers: Orphanet 179494, MedGen C3554225, MONDO:0013992, OMIM 614963.
LEPR-related disorder. Also called: LEPR-related condition; LEPR-related disorders.

Allele frequency attached by ClinVar (database versions not stated): ExAC 0.00044; gnomAD exomes 0.00055 and 0.00108; TOPMed 0.00065; gnomAD 0.00066 and 0.00071; ESP Exome Variant Server 0.00092.
gnomAD v4.1: 1,634 of 1,612,852 alleles (0.1%); highest among the groups gnomAD compares: Non-Finnish European, 0.13%; 1 homozygote.

Submissions (6):

PreventionGenetics, part of Exact Sciences
Classification: Uncertain significance for LEPR-related condition. Last evaluated: 2026-07-21. Review status: criteria provided, single submitter. Criteria: ACMG Guidelines, 2015. Collection method: clinical testing. Allele origin: germline.
Comment: The LEPR c.2260G>A variant is predicted to result in the amino acid substitution p.Val754Met. This variant has been reported as a variant of uncertain significance in several patients with obesity (see, for example, Supplementary table 1, Kleinendorst et al. 2018. PubMed ID: 29970488; Nordang et al. 2017. PubMed ID: 28377240), and in an individual with hypothalamic amenorrhea (Delaney et al. 2021. PubMed ID: 32870266). This variant is reported in 0.10% of alleles in individuals of European (non-Finnish) descent in gnomAD, which may be too common to be a primary cause of disease. In vitro functional analysis indicated that protein with this missense change retains 65% of activity (Shah et al. 2023. PubMed ID: 36864747). Although we suspect that this variant may be benign, at this time, the clinical significance of this variant is uncertain due to the absence of conclusive functional and genetic evidence.

Labcorp Genetics (formerly Invitae), Labcorp
Classification: Likely benign. Last evaluated: 2026-02-01. Review status: criteria provided, single submitter. Criteria: Invitae Variant Classification Sherloc (09022015). Collection method: clinical testing. Allele origin: germline.

Blueprint Genetics
Classification: Uncertain significance. Last evaluated: 2024-11-25. Review status: criteria provided, single submitter. Criteria: ACMG Guidelines, 2015. Collection method: clinical testing. Allele origin: germline.

Baylor Genetics
Classification: Uncertain significance for Obesity due to leptin receptor gene deficiency. Last evaluated: 2019-12-11. Review status: criteria provided, single submitter. Criteria: ACMG Guidelines, 2015. Collection method: clinical testing. Allele origin: unknown. Affected: yes.
Comment: This variant was determined to be of uncertain significance according to ACMG Guidelines, 2015 [PMID:25741868].

Genetics and Molecular Pathology, SA Pathology
Classification: Uncertain significance for Obesity due to leptin receptor gene deficiency. Last evaluated: 2019-10-28. Review status: criteria provided, single submitter. Criteria: ACMG Guidelines, 2015. Collection method: clinical testing. Allele origin: germline. Inheritance: Autosomal recessive inheritance. Affected: yes.

Illumina Laboratory Services, Illumina
Classification: Uncertain significance for Obesity due to leptin receptor gene deficiency. Last evaluated: 2017-04-27. Review status: criteria provided, single submitter. Criteria: ICSL Variant Classification Criteria 13 December 2019. Collection method: clinical testing. Allele origin: germline.